The following is an entry in ClinVar:

ClinVar aggregate classification (germline): Pathogenic/Likely pathogenic. Review status: criteria provided, multiple submitters, no conflicts (2 of 4 stars). 6 submissions from 5 submitters: Pathogenic (3); Likely pathogenic (1). 2 of the submissions do not count toward it. Last evaluated 2026-01-01.

Conditions:
Syndromic Monogenic Diabetes.
Juvenile-onset diabetes mellitus-central and peripheral neurodegeneration syndrome. Also called: Ataxia, combined cerebellar and peripheral, with hearing loss and diabetes mellitus. Identifiers: Orphanet 445062, MedGen C4015436, MONDO:0014523, OMIM 616192.

Allele frequency attached by ClinVar (database versions not stated): gnomAD exomes 0.00001; gnomAD 0.00001.
gnomAD v4.1: 17 of 1,606,464 alleles (0.0011%); highest among the groups gnomAD compares: Non-Finnish European, 0.0013%; no homozygotes.

Submissions (6):

Genomic Medicine Center of Excellence, King Faisal Specialist Hospital and Research Centre
Classification: Pathogenic for Syndromic Monogenic Diabetes. Last evaluated: 2026-01-01. Review status: criteria provided, single submitter. Criteria: ACMG Guidelines, 2015. Collection method: clinical testing. Allele origin: germline. Affected: yes.

Genomic Medicine Center of Excellence, King Faisal Specialist Hospital and Research Centre
Classification: Pathogenic for Juvenile-onset diabetes mellitus-central and peripheral neurodegeneration syndrome. Last evaluated: 2024-12-19. Review status: criteria provided, single submitter. Criteria: ACMG Guidelines, 2015. Collection method: clinical testing. Allele origin: germline.

Baylor Genetics
Classification: Pathogenic for Juvenile-onset diabetes mellitus-central and peripheral neurodegeneration syndrome. Last evaluated: 2019-11-07. Review status: criteria provided, single submitter. Criteria: ACMG Guidelines, 2015. Collection method: clinical testing. Allele origin: unknown. Affected: yes.
Comment: This variant was determined to be pathogenic according to ACMG Guidelines, 2015 [PMID:25741868].

GeneDx
Classification: Likely pathogenic. Last evaluated: 2015-10-27. Review status: criteria provided, single submitter. Criteria: GeneDx Variant Classification (06012015). Collection method: clinical testing. Allele origin: germline. Affected: yes.
Comment: The R393X variant in the DNAJC3 gene has not been reported previously as a pathogenic variant nor as a benign variant, to our knowledge. This variant is predicted to cause loss of normal protein function either through protein truncation or nonsense-mediated mRNA decay. The R393X variant was not observed in approximately 6500 individuals of European and African American ancestry in the NHLBI Exome Sequencing Project, indicating it is not a common benign variant in these populations. We interpret R393X as a likely pathogenic variant.

OMIM
Classification: Pathogenic for ATAXIA, COMBINED CEREBELLAR AND PERIPHERAL, WITH HEARING LOSS AND DIABETES MELLITUS. Last evaluated: 2022-06-23. Review status: no assertion criteria provided. Collection method: literature only. Allele origin: germline. Not counted in ClinVar's aggregate classification.

Biochemical Molecular Genetic Laboratory, King Abdulaziz Medical City
Classification: Pathogenic for Juvenile-onset diabetes mellitus-central and peripheral neurodegeneration syndrome. Last evaluated: 2020-10-11. Review status: no assertion criteria provided. Collection method: clinical testing. Allele origin: germline. Affected: yes. Not counted in ClinVar's aggregate classification.

Literature cited by the submitters: PubMed 33486469 (cited by OMIM).

NM_006260.5(DNAJC3):c.1177C>T (p.Arg393Ter)

Gene: DNAJC3 (DnaJ heat shock protein family (Hsp40) member C3; plus strand). Cytogenetic location: 13q32.1.
Variant type: single nucleotide variant.
Coding change: c.1177C>T on transcript NM_006260.5 (MANE Select); coding-DNA position 1177, C replaced by T.
Protein change: p.Arg393Ter; replaces arginine 393 with a stop codon.
Molecular consequence: nonsense.
Genome position (GRCh38, 1-based): chr13:95,786,040, C>T. VCF-style: chr13-95786040-C-T. GRCh37 (hg19) VCF-style: chr13-96438294-C-T.
Other names: short protein forms R393*.
Identifiers: ClinVar variation 429787 (VCV000429787.7), dbSNP rs1131691593, ClinGen allele CA388677789.
Genomic context (GRCh38, chr13:95,786,040, plus strand): 5'-GATCAGCAGATTCGAGAAGGTCTAGAGAAAGCACAAAGATTATTGAAACAGTCGCAGAAA[C>T]GAGATTATTATAAAATCTTGGGAGTAAAAAGGTGAATTATTAATTTAAAATTTACTTTGC-3'